The following is an entry in ClinVar:

NM_000051.4(ATM):c.805_808dup (p.Arg270delinsThrTer)

Gene: ATM (ATM serine/threonine kinase; plus strand). Cytogenetic location: 11q22.3.
Variant type: Duplication.
Coding change: c.805_808dup on transcript NM_000051.4 (MANE Select); coding-DNA positions 805 to 808, 4 bases duplicated (CATA; older notation c.805_808dupCATA).
Protein change: p.Arg270delinsThrTer.
Molecular consequence: nonsense.
Genome position (GRCh38, 1-based): chr11:108,244,930-108,244,933, CATA duplicated; duplicating any 4 consecutive bases within chr11:108,244,929-108,244,933 gives the same sequence; the c. name uses the placement nearest the transcript's 3' end. VCF-style (leftmost placement, unchanged base first): chr11-108244928-A-AACAT. GRCh37 (hg19) VCF-style: chr11-108115655-A-AACAT.
Other names: c.805_808dup, p.Arg270delinsThrTer (NM_001351834.2).
Identifiers: ClinVar variation 1999638 (VCV001999638.4), dbSNP rs2497151681, ClinGen allele CA2580082941.

ClinVar aggregate classification (germline): Pathogenic (1 of 4 stars; one submission).

Conditions:
Ataxia-telangiectasia syndrome (AT). Also called: Ataxia-telangiectasia, complementation group E; Ataxia-telangiectasia; ATAXIA-TELANGIECTASIA, COMPLEMENTATION GROUP A; Ataxia-telangiectasia, complementation group D; Ataxia telangiectasia (A-T); LOUIS-BAR SYNDROME. Identifiers: Orphanet 100, MedGen C0004135, MONDO:0008840, OMIM 208900.

Submission:

Labcorp Genetics (formerly Invitae), Labcorp
Classification: Pathogenic for Ataxia-telangiectasia syndrome. Last evaluated: 2023-06-14. Review status: criteria provided, single submitter. Criteria: Invitae Variant Classification Sherloc (09022015). Collection method: clinical testing. Allele origin: germline.
Comment: This variant is not present in population databases (gnomAD no frequency). This sequence change creates a premature translational stop signal (p.Arg270Thrfs*2) in the ATM gene. It is expected to result in an absent or disrupted protein product. Loss-of-function variants in ATM are known to be pathogenic (PMID: 23807571, 25614872). This variant has not been reported in the literature in individuals affected with ATM-related conditions. ClinVar contains an entry for this variant (Variation ID: 1999638). For these reasons, this variant has been classified as Pathogenic.

Literature cited by the submitters: PubMed 23807571; PubMed 25614872.